The following is an entry in ClinVar:

NM_022765.4(MICAL1):c.2392C>A (p.Pro798Thr)

Gene: MICAL1 (microtubule associated monooxygenase, calponin and LIM domain containing 1; minus strand). Cytogenetic location: 6q21.
Variant type: single nucleotide variant.
Coding change: c.2392C>A on transcript NM_022765.4 (MANE Select); coding-DNA position 2392, C replaced by A.
Protein change: p.Pro798Thr; replaces proline 798 with threonine.
Molecular consequence: missense variant.
Genome position (GRCh38, 1-based): chr6:109,446,325, G>T on the plus strand (C>A on the coding strand, the complement: MICAL1 is on the minus strand). VCF-style: chr6-109446325-G-T. GRCh37 (hg19) VCF-style: chr6-109767528-G-T.
Other names: c.2134C>A, p.Pro712Thr (NM_001159291.2); c.2449C>A, p.Pro817Thr (NM_001286613.2); short protein forms P712T, P798T, P817T.
Identifiers: ClinVar variation 3622607 (VCV003622607.2).
Genomic context (GRCh38, chr6:109,446,325, plus strand): 5'-AGGACAACCGCTGGCGCTCCGGGCTGGAGAGGCGGATCTGCCGACGGGTGGGCTGGCTGG[G>T]ATCTGGAACAGGACCGGCCCCCTCCTGCGAGGCTGTGGGAGTTGAGAGGCCTGGTGGCAT-3'
Protein context (NP_073602.3, residues 788-808): SQEGAGPVPD[Pro798Thr]SQPTRRQIRL

ClinVar aggregate classification (germline): Uncertain significance (1 of 4 stars; one submission).

gnomAD v4.1: 4 of 1,612,890 alleles (0.00025%); highest among the groups gnomAD compares: African/African-American, 0.0013%; no homozygotes.

Submission:

Labcorp Genetics (formerly Invitae), Labcorp
Classification: Uncertain significance. Last evaluated: 2024-08-29. Review status: criteria provided, single submitter. Criteria: Invitae Variant Classification Sherloc (09022015). Collection method: clinical testing. Allele origin: germline.
Comment: This sequence change replaces proline, which is neutral and non-polar, with threonine, which is neutral and polar, at codon 817 of the MICAL1 protein (p.Pro817Thr). This variant is not present in population databases (gnomAD no frequency). This variant has not been reported in the literature in individuals affected with MICAL1-related conditions. An algorithm developed to predict the effect of missense changes on protein structure and function (PolyPhen-2) suggests that this variant is likely to be tolerated. In summary, the available evidence is currently insufficient to determine the role of this variant in disease. Therefore, it has been classified as a Variant of Uncertain Significance.